The following is an entry in ClinVar:

ClinVar aggregate classification (germline): Uncertain significance (1 of 4 stars; one submission).

Conditions:
Myofibrillar myopathy 5. Also called: Filaminopathy (type); FILAMINOPATHY, AUTOSOMAL DOMINANT. Identifiers: Orphanet 171445, MedGen C1836050, MONDO:0012289, OMIM 609524.
Distal myopathy with posterior leg and anterior hand involvement. Also called: WILLIAMS DISTAL MYOPATHY. Identifiers: Orphanet 63273, MedGen C3279722, MONDO:0013550, OMIM 614065.
Hypertrophic cardiomyopathy 26. Also called: Cardiomyopathy, familial hypertrophic, 26. Identifiers: Orphanet 75249, MedGen C4310749, MONDO:0014883, OMIM 617047.

Allele frequency attached by ClinVar (database versions not stated): gnomAD exomes below 0.00001; TOPMed below 0.00001.

Submission:

Labcorp Genetics (formerly Invitae), Labcorp
Classification: Uncertain significance for Distal myopathy with posterior leg and anterior hand involvement; Myofibrillar myopathy 5; Hypertrophic cardiomyopathy 26. Last evaluated: 2022-08-21. Review status: criteria provided, single submitter. Criteria: Invitae Variant Classification Sherloc (09022015). Collection method: clinical testing. Allele origin: germline.
Comment: This variant has not been reported in the literature in individuals affected with FLNC-related conditions. This variant is present in population databases (no rsID available, gnomAD 0.004%). This sequence change replaces methionine, which is neutral and non-polar, with valine, which is neutral and non-polar, at codon 1952 of the FLNC protein (p.Met1952Val). In summary, the available evidence is currently insufficient to determine the role of this variant in disease. Therefore, it has been classified as a Variant of Uncertain Significance. Algorithms developed to predict the effect of missense changes on protein structure and function (SIFT, PolyPhen-2, Align-GVGD) all suggest that this variant is likely to be tolerated.

NM_001458.5(FLNC):c.5854A>G (p.Met1952Val)

Genes: FLNC-AS1 (FLNC antisense RNA 1; minus strand), FLNC (filamin C; plus strand). Cytogenetic location: 7q32.1.
Variant type: single nucleotide variant.
Coding change: c.5854A>G on transcript NM_001458.5 (MANE Select); coding-DNA position 5854, A replaced by G.
Protein change: p.Met1952Val; replaces methionine 1952 with valine.
Molecular consequence: missense variant.
Genome position (GRCh38, 1-based): chr7:128,852,602, A>G. VCF-style: chr7-128852602-A-G. GRCh37 (hg19) VCF-style: chr7-128492656-A-G.
Other names: c.5755A>G, p.Met1919Val (NM_001127487.2); short protein forms M1919V, M1952V.
Identifiers: ClinVar variation 1717263 (VCV001717263.6), dbSNP rs1373889942, ClinGen allele CA369208870.